The following is an entry in ClinVar:

ClinVar aggregate classification (germline): Conflicting classifications of pathogenicity. Review status: criteria provided, conflicting classifications (1 of 4 stars). 3 submissions from 3 submitters: Uncertain significance (1); Likely benign (1). 1 of the submissions does not count toward it. Last evaluated 2024-02-26.

Conditions:
ABCC2-related disorder. Also called: ABCC2-related condition.

Allele frequency attached by ClinVar (database versions not stated): gnomAD 0.00001; gnomAD exomes 0.00003 and 0.00005; TOPMed 0.00003; ExAC 0.00004.
gnomAD v4.1: 47 of 1,612,458 alleles (0.0029%); highest among the groups gnomAD compares: Admixed American, 0.022%; no homozygotes.

Submissions (3):

Labcorp Genetics (formerly Invitae), Labcorp
Classification: Likely benign. Last evaluated: 2024-02-26. Review status: criteria provided, single submitter. Criteria: Invitae Variant Classification Sherloc (09022015). Collection method: clinical testing. Allele origin: germline.

Eurofins Ntd Llc (ga)
Classification: Uncertain significance. Last evaluated: 2017-10-19. Review status: criteria provided, single submitter. Criteria: EGL Classification Definitions 2015. Collection method: clinical testing. Allele origin: germline. Observed: 1 variant allele, 1 heterozygote.

PreventionGenetics, part of Exact Sciences
Classification: Likely benign for ABCC2-related condition. Last evaluated: 2021-03-30. Review status: no assertion criteria provided. Collection method: clinical testing. Allele origin: germline. Not counted in ClinVar's aggregate classification.
Comment: This variant is classified as likely benign based on ACMG/AMP sequence variant interpretation guidelines (Richards et al. 2015 PMID: 25741868, with internal and published modifications).

NM_000392.5(ABCC2):c.855T>C (p.Asp285=)

Gene: ABCC2 (ATP binding cassette subfamily C member 2; plus strand). Cytogenetic location: 10q24.2.
Variant type: single nucleotide variant.
Coding change: c.855T>C on transcript NM_000392.5 (MANE Select); coding-DNA position 855, T replaced by C.
Protein change: p.Asp285=; no amino-acid change (aspartic acid 285 retained).
Molecular consequence: synonymous variant.
Genome position (GRCh38, 1-based): chr10:99,797,319, T>C. VCF-style: chr10-99797319-T-C. GRCh37 (hg19) VCF-style: chr10-101557076-T-C.
Other names: c.855T>C, p.Asp285= (LRG_1208t1); c.855T>C (NM_000392.4).
Identifiers: ClinVar variation 594627 (VCV000594627.10), dbSNP rs769700101, ClinGen allele CA5643005.
Genomic context (GRCh38, chr10:99,797,319, plus strand): 5'-CCAGCAGAACTCTGGAGCCAGGCTGCCTGGCTTGAACAAGAATCAGAGTCAAAGCCAAGA[T>C]GCCCTTGTCCTGGTAACTTTCCCTTGAGTGTCTGTGTGAGCGCGCTGCATGTTTCAGGCA-3'
Protein context (NP_000383.2, residues 275-295): GLNKNQSQSQ[Asp285=]ALVLEDVEKK